The following is an entry in ClinVar:

ClinVar aggregate classification (germline): Uncertain significance (1 of 4 stars; one submission).

Conditions:
Developmental and epileptic encephalopathy, 11 (DEE11). Also called: Early infantile epileptic encephalopathy 11. Identifiers: Orphanet 1934, MedGen C3150987, MONDO:0013388, OMIM 613721.
Seizures, benign familial infantile, 3 (BFIS3). Also called: CONVULSIONS, BENIGN FAMILIAL INFANTILE, 3; Familial neonatal seizures. Identifiers: Orphanet 140927, Orphanet 306, MedGen C1843140, MONDO:0011904, OMIM 607745.

Submission:

Labcorp Genetics (formerly Invitae), Labcorp
Classification: Uncertain significance for Seizures, benign familial infantile, 3; Developmental and epileptic encephalopathy, 11. Last evaluated: 2025-11-25. Review status: criteria provided, single submitter. Criteria: Invitae Variant Classification Sherloc (09022015). Collection method: clinical testing. Allele origin: germline.
Comment: This sequence change falls in intron 6 of the SCN2A gene. It does not directly change the encoded amino acid sequence of the SCN2A protein. It affects a nucleotide within the consensus splice site. This variant is not present in population databases (gnomAD no frequency). This variant has not been reported in the literature in individuals affected with SCN2A-related conditions. Variants that disrupt the consensus splice site are a relatively common cause of aberrant splicing (PMID: 17576681, 9536098). Algorithms developed to predict the effect of sequence changes on RNA splicing suggest that this variant is not likely to affect RNA splicing. In summary, the available evidence is currently insufficient to determine the role of this variant in disease. Therefore, it has been classified as a Variant of Uncertain Significance.

Literature cited by the submitters: PubMed 17576681; PubMed 9536098.

NM_001040142.2(SCN2A):c.698-3T>C

Gene: SCN2A (sodium voltage-gated channel alpha subunit 2; plus strand). Cytogenetic location: 2q24.3.
Variant type: single nucleotide variant.
Coding change: c.698-3T>C on transcript NM_001040142.2 (MANE Select); 3 bases into the intron before coding-DNA position 698, T replaced by C.
Molecular consequence: intron variant.
Genome position (GRCh38, 1-based): chr2:165,310,320, T>C. VCF-style: chr2-165310320-T-C. GRCh37 (hg19) VCF-style: chr2-166166830-T-C.
Other names: c.698-3T>C (NM_001040143.2, NM_001371246.1, NM_001371247.1 and 1 more transcripts).
Identifiers: ClinVar variation 4786800 (VCV004786800.1).